The following is an entry in ClinVar:

ClinVar aggregate classification (germline): Uncertain significance (1 of 4 stars; one submission).

Conditions:
Lymphatic malformation 3 (LMPHM3). Identifiers: Orphanet 79452, MedGen C4747646, MONDO:0013278, OMIM 613480.

Submission:

Neuberg Centre For Genomic Medicine, NCGM
Classification: Uncertain significance for Lymphatic malformation 3. Last evaluated: 2023-03-01. Review status: criteria provided, single submitter. Criteria: ACMG Guidelines, 2015. Collection method: clinical testing. Allele origin: germline. Inheritance: Autosomal dominant inheritance. Affected: yes.
Comment: The missense variant c.32G>C (p.Arg11Pro) in the GJC2 gene has not been reported previously as a pathogenic variant nor as a benign variant, to our knowledge. This variant is novel (not in any individuals) in gnomAD Exomes and 1000 Genomes. The amino acid Arginine at position 11 is changed to a Proline changing protein sequence and it might alter its composition and physico-chemical properties. The variant is predicted as damaging by SIFT. The amino acid change p.Arg11Pro in GJC2 is predicted as conserved by GERP++ and PhyloP across 100 vertebrates. For these reasons, this variant has been classified as Uncertain Significance.

NM_020435.4(GJC2):c.32G>C (p.Arg11Pro)

Gene: GJC2 (gap junction protein gamma 2; plus strand). Cytogenetic location: 1q42.13.
Variant type: single nucleotide variant.
Coding change: c.32G>C on transcript NM_020435.4 (MANE Select); coding-DNA position 32, G replaced by C.
Protein change: p.Arg11Pro; replaces arginine 11 with proline.
Molecular consequence: missense variant.
Genome position (GRCh38, 1-based): chr1:228,157,790, G>C. VCF-style: chr1-228157790-G-C. GRCh37 (hg19) VCF-style: chr1-228345491-G-C.
Other names: short protein forms R11P.
Identifiers: ClinVar variation 2671654 (VCV002671654.1), dbSNP rs1034316227, ClinGen allele CA345096756.
Genomic context (GRCh38, chr1:228,157,790, plus strand): 5'-CGCCCCACAGGACCCGCCCGCCCGCCCCTATGACCAACATGAGCTGGAGCTTCCTGACGC[G>C]GCTGCTGGAGGAGATCCACAACCACTCCACCTTCGTGGGCAAGGTGTGGCTCACGGTGCT-3'
Protein context (NP_065168.2, residues 1-21): MTNMSWSFLT[Arg11Pro]LLEEIHNHST